The following is an entry in ClinVar:

ClinVar aggregate classification (germline): Uncertain significance (1 of 4 stars; one submission).

Conditions:
Cardiovascular phenotype. Identifiers: MedGen CN230736.
Hereditary cancer-predisposing syndrome. Also called: Neoplastic Syndromes, Hereditary; Hereditary Cancer Syndrome; Tumor predisposition; Hereditary neoplastic syndrome. Identifiers: Orphanet 140162, MedGen C0027672, MeSH D009386, MONDO:0015356.

Allele frequency attached by ClinVar (database versions not stated): TOPMed 0.00003.
gnomAD v4.1: 9 of 1,561,520 alleles (0.00058%); highest among the groups gnomAD compares: African/African-American, 0.0095%; no homozygotes.

Submission:

Ambry Genetics
Classification: Uncertain significance for Cardiovascular phenotype; Hereditary cancer-predisposing syndrome. Last evaluated: 2025-04-28. Review status: criteria provided, single submitter. Criteria: Ambry Variant Classification Scheme 2023. Collection method: clinical testing. Allele origin: germline.
Comment: The c.2406+60C>T intronic variant results from a C to T substitution 60 nucleotides after coding exon 20 in the LZTR1 gene. This nucleotide position is not well conserved in available vertebrate species. In silico splice site analysis predicts that this alteration may result in the creation or strengthening of a novel splice donor site. RNA studies have demonstrated that this alteration results in a frameshifted and elongated transcript that is not predicted to undergo nonsense-mediated decay; however, the exact functional impact of the altered amino acids is unknown at this time (Ambry internal data). Since supporting evidence is limited at this time, the clinical significance of this alteration remains unclear.

NM_006767.4(LZTR1):c.2406+60C>T

Gene: LZTR1 (leucine zipper like post translational regulator 1; plus strand). Cytogenetic location: 22q11.21.
Variant type: single nucleotide variant.
Coding change: c.2406+60C>T on transcript NM_006767.4 (MANE Select); 60 bases into the intron after coding-DNA position 2406, C replaced by T.
Molecular consequence: intron variant.
Genome position (GRCh38, 1-based): chr22:20,997,026, C>T. VCF-style: chr22-20997026-C-T. GRCh37 (hg19) VCF-style: chr22-21351315-C-T.
Identifiers: ClinVar variation 2447735 (VCV002447735.2), dbSNP rs367973716, ClinGen allele CA10119398.
Genomic context (GRCh38, chr22:20,997,026, plus strand): 5'-GGTCAGGGCTCTGGCCTCCCCTTCAGGACTCGCTTCCCCTTGGCAGTGGCCATGCCCAGG[C>T]AGGGAGGGTGCCCAGGCTCTGTGGTCCCCTGCAGTGGTGGGCCCTGGGGGTGAGAGAAGC-3'